The following is an entry in ClinVar:

ClinVar aggregate classification (germline): Uncertain significance (1 of 4 stars; one submission).

Submission:

GeneDx
Classification: Uncertain significance. Last evaluated: 2024-09-20. Review status: criteria provided, single submitter. Criteria: GeneDx Variant Classification Process June 2021. Collection method: clinical testing. Allele origin: germline. Affected: yes.
Comment: Not observed at significant frequency in large population cohorts (gnomAD); In silico analysis supports that this missense variant has a deleterious effect on protein structure/function; Has not been previously published as pathogenic or benign to our knowledge

NM_003128.3(SPTBN1):c.3494T>C (p.Leu1165Pro)

Gene: SPTBN1 (spectrin beta, non-erythrocytic 1; plus strand). Cytogenetic location: 2p16.2.
Variant type: single nucleotide variant.
Coding change: c.3494T>C on transcript NM_003128.3 (MANE Select); coding-DNA position 3494, T replaced by C.
Protein change: p.Leu1165Pro; replaces leucine 1165 with proline.
Molecular consequence: missense variant.
Genome position (GRCh38, 1-based): chr2:54,631,541, T>C. VCF-style: chr2-54631541-T-C. GRCh37 (hg19) VCF-style: chr2-54858678-T-C.
Other names: c.3455T>C, p.Leu1152Pro (NM_178313.3); short protein forms L1152P, L1165P.
Identifiers: ClinVar variation 3774257 (VCV003774257.1).